The following is an entry in ClinVar:

NM_020919.4(ALS2):c.1815+4_1815+15del

Gene: ALS2 (alsin Rho guanine nucleotide exchange factor ALS2; minus strand). Cytogenetic location: 2q33.1.
Variant type: Deletion.
Coding change: c.1815+4_1815+15del on transcript NM_020919.4 (MANE Select); bases 4 to 15 of the intron after coding-DNA position 1815, 12 bases deleted (CTTTTGTGAACT).
Molecular consequence: intron variant.
Genome position (GRCh38, 1-based): chr2:201,749,697-201,749,708, AGTTCACAAAAG deleted on the plus strand (CTTTTGTGAACT on the coding strand, the reverse complement: ALS2 is on the minus strand). VCF-style (leftmost placement, unchanged base first): chr2-201749696-AAGTTCACAAAAG-A. GRCh37 (hg19) VCF-style: chr2-202614419-AAGTTCACAAAAG-A.
Identifiers: ClinVar variation 955265 (VCV000955265.7), dbSNP rs764299522, ClinGen allele CA2058353.
Genomic context (GRCh38, chr2:201,749,696, plus strand): 5'-AAATAAGAAATGGAGAAGTATAAGGTGTTACAGCTAAGAATTGTGGAATAAGTTGCTATC[AAGTTCACAAAAG>A]TACCTTTGCAAGACGAGGAACTGTTGTTGGAAAATCGGAATGCCCAAGTTGACCAAAGGT-3'

ClinVar aggregate classification (germline): Uncertain significance (1 of 4 stars; one submission).

Conditions:
Infantile-onset ascending hereditary spastic paralysis (IAHSP). Also called: Autosomal Recessive Juvenile Amyotrophic Lateral Sclerosis; Infantile-Onset Ascending Hereditary Spastic Paralysis (IAHSP). Identifiers: Orphanet 293168, MedGen C2931441, MONDO:0011797, OMIM 607225. Disease mechanism: loss of function.

Allele frequency attached by ClinVar (database versions not stated): gnomAD exomes below 0.00001 and 0.00001; ExAC 0.00001; gnomAD 0.00007 and 0.00008; TOPMed 0.00008.

Submission:

Labcorp Genetics (formerly Invitae), Labcorp
Classification: Uncertain significance for Infantile-onset ascending hereditary spastic paralysis. Last evaluated: 2020-01-30. Review status: criteria provided, single submitter. Criteria: Invitae Variant Classification Sherloc (09022015). Collection method: clinical testing. Allele origin: germline.
Comment: This sequence change falls in intron 8 of the ALS2 gene. It does not directly change the encoded amino acid sequence of the ALS2 protein, but it affects nucleotides within the consensus splice site of the intron. The frequency data for this variant in the population databases is considered unreliable, as metrics indicate poor data quality at this position in the ExAC database. In summary, the available evidence is currently insufficient to determine the role of this variant in disease. Therefore, it has been classified as a Variant of Uncertain Significance. Nucleotide substitutions within the consensus splice site are a relatively common cause of aberrant splicing (PMID: 17576681, 9536098). Algorithms developed to predict the effect of sequence changes on RNA splicing suggest that this variant is not likely to affect RNA splicing, but this prediction has not been confirmed by published transcriptional studies. This variant has not been reported in the literature in individuals with ALS2-related conditions.

Literature cited by the submitters: PubMed 17576681; PubMed 9536098.